The following is an entry in ClinVar:

NM_152618.3(BBS12):c.668A>G (p.Asp223Gly)

Gene: BBS12 (Bardet-Biedl syndrome 12; plus strand). Cytogenetic location: 4q27.
Variant type: single nucleotide variant.
Coding change: c.668A>G on transcript NM_152618.3 (MANE Select); coding-DNA position 668, A replaced by G.
Protein change: p.Asp223Gly; replaces aspartic acid 223 with glycine.
Molecular consequence: missense variant.
Genome position (GRCh38, 1-based): chr4:122,742,560, A>G. VCF-style: chr4-122742560-A-G. GRCh37 (hg19) VCF-style: chr4-123663715-A-G.
Other names: c.668A>G, p.Asp223Gly (NM_001178007.2); short protein forms D223G.
Identifiers: ClinVar variation 407307 (VCV000407307.3), dbSNP rs1060501473, ClinGen allele CA16611600.
Genomic context (GRCh38, chr4:122,742,560, plus strand): 5'-AGACAAAGGTTGAAGCAGATAACAACACATCACGAACTCTGAAAAACAGCCTGCTTGCAG[A>G]TACCTGCTGCAGACAGTCAATACTAATCCACAGTAGGCATTTTAATAGGACAGATAATAC-3'
Protein context (NP_689831.2, residues 213-233): SRTLKNSLLA[Asp223Gly]TCCRQSILIH

ClinVar aggregate classification (germline): Uncertain significance. Review status: criteria provided, single submitter (1 of 4 stars). 2 submissions from 2 submitters: Uncertain significance (1). 1 of the submissions does not count toward it. Last evaluated 2022-03-03.

Conditions:
Bardet-Biedl syndrome (BBS). Identifiers: Orphanet 110, MedGen C0752166, MONDO:0015229.
Bardet-Biedl syndrome 12 (BBS12). Identifiers: Orphanet 110, MedGen C1859570, MONDO:0014440, OMIM 615989.

gnomAD v4.1: 18 of 1,614,272 alleles (0.0011%); highest among the groups gnomAD compares: Non-Finnish European, 0.0015%; no homozygotes.

Submissions (2):

Labcorp Genetics (formerly Invitae), Labcorp
Classification: Uncertain significance for Bardet-Biedl syndrome. Last evaluated: 2022-03-03. Review status: criteria provided, single submitter. Criteria: Invitae Variant Classification Sherloc (09022015). Collection method: clinical testing. Allele origin: germline.
Comment: This sequence change replaces aspartic acid, which is acidic and polar, with glycine, which is neutral and non-polar, at codon 223 of the BBS12 protein (p.Asp223Gly). This variant is not present in population databases (gnomAD no frequency). This variant has not been reported in the literature in individuals affected with BBS12-related conditions. ClinVar contains an entry for this variant (Variation ID: 407307). Algorithms developed to predict the effect of missense changes on protein structure and function output the following: SIFT: "Deleterious"; PolyPhen-2: "Benign"; Align-GVGD: "Class C0". The glycine amino acid residue is found in multiple mammalian species, which suggests that this missense change does not adversely affect protein function. Algorithms developed to predict the effect of sequence changes on RNA splicing suggest that this variant may create or strengthen a splice site. In summary, the available evidence is currently insufficient to determine the role of this variant in disease. Therefore, it has been classified as a Variant of Uncertain Significance.

Natera, Inc.
Classification: Uncertain significance for Bardet-Biedl syndrome type 12. Last evaluated: 2021-10-07. Review status: no assertion criteria provided. Collection method: clinical testing. Allele origin: germline. Not counted in ClinVar's aggregate classification.